The following is an entry in ClinVar:

NM_017841.4(SDHAF2):c.378A>T (p.Lys126Asn)

Gene: SDHAF2 (succinate dehydrogenase complex assembly factor 2; plus strand). Cytogenetic location: 11q12.2.
Variant type: single nucleotide variant.
Coding change: c.378A>T on transcript NM_017841.4 (MANE Select); coding-DNA position 378, A replaced by T.
Protein change: p.Lys126Asn; replaces lysine 126 with asparagine.
Molecular consequence: missense variant.
Genome position (GRCh38, 1-based): chr11:61,445,948, A>T. VCF-style: chr11-61445948-A-T. GRCh37 (hg19) VCF-style: chr11-61213420-A-T.
Other names: short protein forms K126N.
Identifiers: ClinVar variation 3227056 (VCV003227056.1), dbSNP rs1400208457, ClinGen allele CA380685238.

ClinVar aggregate classification (germline): Uncertain significance (1 of 4 stars; one submission).

Conditions:
Hereditary cancer-predisposing syndrome. Also called: Neoplastic Syndromes, Hereditary; Tumor predisposition; Hereditary neoplastic syndrome; Hereditary Cancer Syndrome. Identifiers: Orphanet 140162, MedGen C0027672, MeSH D009386, MONDO:0015356.

Allele frequency attached by ClinVar (database versions not stated): gnomAD exomes below 0.00001.

Submission:

Ambry Genetics
Classification: Uncertain significance for Hereditary cancer-predisposing syndrome. Last evaluated: 2023-12-16. Review status: criteria provided, single submitter. Criteria: Ambry Variant Classification Scheme 2023. Collection method: clinical testing. Allele origin: germline.
Comment: The p.K126N variant (also known as c.378A>T), located in coding exon 4 of the SDHAF2 gene, results from an A to T substitution at nucleotide position 378. The lysine at codon 126 is replaced by asparagine, an amino acid with similar properties. This amino acid position is conserved. In addition, this alteration is predicted to be tolerated by in silico analysis. Since supporting evidence is limited at this time, the clinical significance of this alteration remains unclear.